The following is an entry in ClinVar:

ClinVar aggregate classification (germline): Uncertain significance (1 of 4 stars; one submission).

Conditions:
Immunodeficiency 39 (IMD39). Identifiers: Orphanet 574918, MedGen C4225358, MONDO:0014597, OMIM 616345.

Submission:

Labcorp Genetics (formerly Invitae), Labcorp
Classification: Uncertain significance for Immunodeficiency 39. Last evaluated: 2023-10-04. Review status: criteria provided, single submitter. Criteria: Invitae Variant Classification Sherloc (09022015). Collection method: clinical testing. Allele origin: germline.
Comment: This sequence change replaces glycine, which is neutral and non-polar, with arginine, which is basic and polar, at codon 398 of the IRF7 protein (p.Gly398Arg). This variant is not present in population databases (gnomAD no frequency). This variant has not been reported in the literature in individuals affected with IRF7-related conditions. Advanced modeling of protein sequence and biophysical properties (such as structural, functional, and spatial information, amino acid conservation, physicochemical variation, residue mobility, and thermodynamic stability) performed at Invitae indicates that this missense variant is not expected to disrupt IRF7 protein function. In summary, the available evidence is currently insufficient to determine the role of this variant in disease. Therefore, it has been classified as a Variant of Uncertain Significance.

NM_001572.5(IRF7):c.1153G>C (p.Gly385Arg)

Gene: IRF7 (interferon regulatory factor 7; minus strand). Cytogenetic location: 11p15.5.
Variant type: single nucleotide variant.
Coding change: c.1153G>C on transcript NM_001572.5 (MANE Select); coding-DNA position 1153, G replaced by C.
Protein change: p.Gly385Arg; replaces glycine 385 with arginine.
Molecular consequence: missense variant.
Genome position (GRCh38, 1-based): chr11:613,290, C>G on the plus strand (G>C on the coding strand, the complement: IRF7 is on the minus strand). VCF-style: chr11-613290-C-G. GRCh37 (hg19) VCF-style: chr11-613290-C-G.
Other names: c.1066G>C, p.Gly356Arg (NM_004029.4); c.1192G>C, p.Gly398Arg (NM_004031.4); short protein forms G385R, G356R, G398R.
Identifiers: ClinVar variation 2765241 (VCV002765241.3), dbSNP rs750448993, ClinGen allele CA378978739.